The following is an entry in ClinVar:

ClinVar aggregate classification (germline): Pathogenic (1 of 4 stars; one submission).

Allele frequency attached by ClinVar (database versions not stated): gnomAD exomes below 0.00001 and 0.00001; TOPMed below 0.00001; ExAC 0.00001; gnomAD 0.00001.

Submission:

Labcorp Genetics (formerly Invitae), Labcorp
Classification: Pathogenic. Last evaluated: 2026-01-18. Review status: criteria provided, single submitter. Criteria: Invitae Variant Classification Sherloc (09022015). Collection method: clinical testing. Allele origin: germline.
Comment: This sequence change creates a premature translational stop signal (p.Arg478*) in the MYSM1 gene. It is expected to result in an absent or disrupted protein product. Loss-of-function variants in MYSM1 are known to be pathogenic (PMID: 24288411, 28115216). The frequency data for this variant in the population databases is considered unreliable, as metrics indicate poor data quality at this position in the gnomAD database. This premature translational stop signal has been observed in individual(s) with Diamond-Blackfan anemia (PMID: 30503522). ClinVar contains an entry for this variant (Variation ID: 1452695). Algorithms developed to predict the effect of sequence changes on RNA splicing suggest that this variant may disrupt the consensus splice site. For these reasons, this variant has been classified as Pathogenic.

Literature cited by the submitters: PubMed 24288411; PubMed 28115216; PubMed 30503522.

NM_001085487.3(MYSM1):c.1432C>T (p.Arg478Ter)

Gene: MYSM1 (Myb like, SWIRM and MPN domains 1; minus strand). Cytogenetic location: 1p32.1.
Variant type: single nucleotide variant.
Coding change: c.1432C>T on transcript NM_001085487.3 (MANE Select); coding-DNA position 1432, C replaced by T.
Protein change: p.Arg478Ter; replaces arginine 478 with a stop codon.
Molecular consequence: nonsense.
Genome position (GRCh38, 1-based): chr1:58,675,539, G>A on the plus strand (C>T on the coding strand, the complement: MYSM1 is on the minus strand). VCF-style: chr1-58675539-G-A. GRCh37 (hg19) VCF-style: chr1-59141211-G-A.
Other names: short protein forms R478*.
Identifiers: ClinVar variation 1452695 (VCV001452695.6), dbSNP rs748065332, ClinGen allele CA877815.